The following is an entry in ClinVar:

ClinVar aggregate classification (germline): Benign (1 of 4 stars; one submission).

Allele frequency attached by ClinVar (database versions not stated): TOPMed 0.84596; gnomAD 0.84610 and 0.84739; 1000 Genomes Project 0.85044; 1000 Genomes Project 30x 0.85134; gnomAD exomes 0.85276.
gnomAD v4.1: 356,988 of 419,622 alleles (85%); highest among the groups gnomAD compares: Admixed American, 88%; 152,123 homozygotes.

Submission:

GeneDx
Classification: Benign. Last evaluated: 2018-06-14. Review status: criteria provided, single submitter. Criteria: GeneDx Variant Classification (06012015). Collection method: clinical testing. Allele origin: germline. Affected: yes.
Comment: This variant is considered likely benign or benign based on one or more of the following criteria: it is a conservative change, it occurs at a poorly conserved position in the protein, it is predicted to be benign by multiple in silico algorithms, and/or has population frequency not consistent with disease.

NM_006767.4(LZTR1):c.1260+312C>T

Gene: LZTR1 (leucine zipper like post translational regulator 1; plus strand). Cytogenetic location: 22q11.21.
Variant type: single nucleotide variant.
Coding change: c.1260+312C>T on transcript NM_006767.4 (MANE Select); 312 bases into the intron after coding-DNA position 1260, C replaced by T.
Molecular consequence: intron variant.
Genome position (GRCh38, 1-based): chr22:20,993,216, C>T. VCF-style: chr22-20993216-C-T. GRCh37 (hg19) VCF-style: chr22-21347505-C-T.
Identifiers: ClinVar variation 561841 (VCV000561841.1), dbSNP rs756877, ClinGen allele CA16000252.
Genomic context (GRCh38, chr22:20,993,216, plus strand): 5'-GCTGGGCTCAGCACCAGAGCCTCACAGGCATCATAGCCTGGCCCAGGGCAGAGCCAGGGC[C>T]GACAGTGGCTTGCGTTGACAGCCCCTTCCCAGGCCTGGAGGAGCAGGTGGTCAGGGCAGG-3'